The following is an entry in ClinVar:

ClinVar aggregate classification (germline): Likely pathogenic (1 of 4 stars; one submission).

Conditions:
Dilated cardiomyopathy 1G (CMD1G). Identifiers: Orphanet 154, MedGen C1858763, MONDO:0011400, OMIM 604145.
Autosomal recessive limb-girdle muscular dystrophy type 2J (LGMDR10). Also called: Limb-girdle muscular dystrophy, type 2J; MUSCULAR DYSTROPHY, LIMB-GIRDLE, AUTOSOMAL RECESSIVE 10. Identifiers: Orphanet 140922, MedGen C1837342, MONDO:0012127, OMIM 608807.

Submission:

Labcorp Genetics (formerly Invitae), Labcorp
Classification: Likely pathogenic for Dilated cardiomyopathy 1G; Autosomal recessive limb-girdle muscular dystrophy type 2J. Last evaluated: 2024-03-08. Review status: criteria provided, single submitter. Criteria: Invitae Variant Classification Sherloc (09022015). Collection method: clinical testing. Allele origin: germline.
Comment: This sequence change creates a premature translational stop signal (p.Phe34172Leufs*31) in the TTN gene. While this is not anticipated to result in nonsense mediated decay, it is expected to create a truncated TTN protein. This variant is not present in population databases (gnomAD no frequency). This premature translational stop signal has been observed in individual(s) with dilated cardiomyopathy (Invitae). This variant is located in the M band of TTN (PMID: 25589632). Truncating variants in this region have been previously reported in individuals affected with autosomal recessive myopathy and muscular dystrophy (PMID: 18948003, 23975875, 24395473). Truncating variants in this region have also been identified in individuals affected with autosomal dominant dilated cardiomyopathy and/or cardio-related conditions (PMID: 27869827, 32964742, Invitae internal data). In summary, the currently available evidence indicates that the variant is pathogenic, but additional data are needed to prove that conclusively. Therefore, this variant has been classified as Likely Pathogenic.

Literature cited by the submitters: PubMed 25589632; PubMed 18948003; PubMed 23975875; PubMed 24395473; PubMed 27869827; PubMed 32964742.

NM_001267550.2(TTN):c.102513del (p.Phe34172fs)

Genes: TTN (titin; minus strand), TTN-AS1 (TTN antisense RNA 1; plus strand). Cytogenetic location: 2q31.2.
Variant type: Deletion.
Coding change: c.102513del on transcript NM_001267550.2 (MANE Select); coding-DNA position 102513, one base deleted (C; older notation c.102513delC).
Protein change: p.Phe34172fs; shifts the reading frame from phenylalanine 34172.
Molecular consequence: frameshift variant.
Genome position (GRCh38, 1-based): chr2:178,534,102, G deleted on the plus strand (C on the coding strand, the reverse complement: TTN is on the minus strand). VCF-style (leftmost placement, unchanged base first): chr2-178534101-AG-A. GRCh37 (hg19) VCF-style: chr2-179398828-AG-A.
Other names: c.75318del, p.Phe25107fs (NM_003319.4); c.94809del, p.Phe31604fs (NM_133378.4); c.75693del, p.Phe25232fs (NM_133432.3); c.75894del, p.Phe25299fs (NM_133437.4); c.97590del, p.Phe32531fs (NM_001256850.1); short protein forms F25107fs, F25232fs, F25299fs, F31604fs, F32531fs, F34172fs.
Identifiers: ClinVar variation 3755183 (VCV003755183.2).